The following is an entry in ClinVar:

ClinVar aggregate classification (germline): Uncertain significance (1 of 4 stars; one submission).
ClinVar aggregate classification (oncogenicity): Likely oncogenic (1 of 4 stars; one submission).

Conditions:
Neurofibromatosis, type 1 (NF1). Also called: VON RECKLINGHAUSEN DISEASE; NEUROFIBROMATOSIS, TYPE I, SOMATIC; Peripheral type neurofibromatosis; Neurofibromatosis, type I. Identifiers: Orphanet 636, MedGen C0027831, MONDO:0018975, OMIM 162200. Disease mechanism: loss of function.
Neoplasm. Also called: tumor; Neoplasms; Neoplasm (disease). Identifiers: MedGen C0027651, MeSH D009369, MONDO:0005070, HP:0002664.

Submissions (2):

Center for Genomic Medicine, Rigshospitalet, Copenhagen University Hospital
Classification: Likely oncogenic for Neoplasm. Last evaluated: 2026-10-16. Review status: criteria provided, single submitter. Criteria: ClinGen/CGC/VICC Guidelines for Oncogenicity, 2022. Collection method: clinical testing. Allele origin: somatic. Affected: yes.

Labcorp Genetics (formerly Invitae), Labcorp
Classification: Uncertain significance for Neurofibromatosis, type 1. Last evaluated: 2024-04-29. Review status: criteria provided, single submitter. Criteria: Invitae Variant Classification Sherloc (09022015). Collection method: clinical testing. Allele origin: germline.
Comment: This sequence change falls in intron 20 of the NF1 gene. It does not directly change the encoded amino acid sequence of the NF1 protein. It affects a nucleotide within the consensus splice site. This variant is not present in population databases (gnomAD no frequency). This variant has been observed in individual(s) with clinical features of neurofibromatosis type 1 (PMID: 12807981, 18546366). This variant is also known as IVS15+2insT. Variants that disrupt the consensus splice site are a relatively common cause of aberrant splicing (PMID: 17576681, 9536098). Algorithms developed to predict the effect of sequence changes on RNA splicing suggest that this variant may disrupt the consensus splice site. In summary, the available evidence is currently insufficient to determine the role of this variant in disease. Therefore, it has been classified as a Variant of Uncertain Significance.

Literature cited by the submitters: PubMed 12807981 (cited by Labcorp Genetics (formerly Invitae), Labcorp); PubMed 18546366 (cited by Labcorp Genetics (formerly Invitae), Labcorp); PubMed 17576681 (cited by Labcorp Genetics (formerly Invitae), Labcorp); PubMed 9536098 (cited by Labcorp Genetics (formerly Invitae), Labcorp).

NM_001042492.3(NF1):c.2409+2dup

Gene: NF1 (neurofibromin 1; plus strand). Cytogenetic location: 17q11.2.
Variant type: Duplication.
Coding change: c.2409+2dup on transcript NM_001042492.3 (MANE Select); the canonical splice donor site of the intron after coding-DNA position 2409, one base duplicated (T; older notation c.2409+2dupT).
Molecular consequence: splice donor variant.
Genome position (GRCh38, 1-based): chr17:31,227,608, T duplicated. VCF-style (leftmost placement, unchanged base first): chr17-31227607-G-GT. GRCh37 (hg19) VCF-style: chr17-29554625-G-GT.
Other names: c.2409+2dup (NM_000267.4); c.2409+2dupT (NM_000267.3).
Identifiers: ClinVar variation 3722626 (VCV003722626.3).